The following is an entry in ClinVar:

NM_000179.3(MSH6):c.602_603del (p.Glu201fs)

Gene: MSH6 (mutS homolog 6; plus strand). Cytogenetic location: 2p16.3.
Variant type: Microsatellite.
Coding change: c.602_603del on transcript NM_000179.3 (MANE Select); coding-DNA positions 602 to 603, 2 bases deleted (AG; older notation c.602_603delAG).
Protein change: p.Glu201fs; shifts the reading frame from glutamic acid 201.
Molecular consequence: frameshift variant. On other transcripts: 5 prime UTR variant (1), intron variant (2).
Genome position (GRCh38, 1-based): chr2:47,796,038-47,796,039, AG deleted; deleting any 2 consecutive bases within chr2:47,796,036-47,796,039 gives the same sequence; the c. name uses the placement nearest the transcript's 3' end. VCF-style (leftmost placement, unchanged base first): chr2-47796035-CAG-C. GRCh37 (hg19) VCF-style: chr2-48023174-CAG-C.
Other names: c.-303AG[1] (NM_001281494.2); c.-279-2573_-279-2572del (NM_001281493.2); c.238-2573_238-2572del (NM_001281492.2); c.600_601delAG (NM_000179.2); c.602_603delAG (NM_000179.2); short protein forms E201fs.
Identifiers: ClinVar variation 127602 (VCV000127602.3), dbSNP rs587779945, ClinGen allele CA015954.
Genomic context (GRCh38, chr2:47,796,035, plus strand): 5'-ATGAAGCCTTAAATAAAGACAAGATTAAGAGGCTTGAATTGGCAGTTTGTGATGAGCCCT[CAG>C]AGCCAGAAGAGGAAGAAGAGATGGAGGTGGGACACGGCAAGCATTCAGTTGTTATTTATG-3'

ClinVar aggregate classification (germline): Pathogenic. Review status: criteria provided, multiple submitters, no conflicts (2 of 4 stars). 2 submissions from 2 submitters: Pathogenic (2). Last evaluated 2023-08-10.

Conditions:
Lynch syndrome 5 (LYNCH5). Also called: Colorectal cancer, hereditary nonpolyposis, type 5; Hereditary non-polyposis colorectal cancer, type 5. Identifiers: Orphanet 144, MedGen C1833477, MONDO:0013710, OMIM 614350. Disease mechanism: loss of function.

Submissions (2):

Myriad Genetics, Inc.
Classification: Pathogenic for Lynch syndrome 5. Last evaluated: 2023-08-10. Review status: criteria provided, single submitter. Criteria: Myriad Autosomal Dominant, Autosomal Recessive and X-Linked Classification Criteria (2023). Collection method: clinical testing. Allele origin: unknown.
Comment: This variant is considered pathogenic. This variant creates a frameshift predicted to result in premature protein truncation.

GeneDx
Classification: Pathogenic. Last evaluated: 2017-03-16. Review status: criteria provided, single submitter. Criteria: GeneDx Variant Classification (06012015). Collection method: clinical testing. Allele origin: germline. Affected: yes.
Comment: This deletion of two nucleotides in MSH6 is denoted c.602_603delAG at the cDNA level and p.Glu201AlafsX17 (E201AfsX17) at the protein level. The normal sequence, with the bases that are deleted in brackets, is TCAG[delAG]CCAG. The deletion causes a frameshift which changes a Glutamic Acid to an Alanine at codon 201, and creates a premature stop codon at position 17 of the new reading frame. This variant is predicted to cause loss of normal protein function through either protein truncation or nonsense-mediated mRNA decay. MSH6 c.602_603delAG has been observed in multiple cases of breast cancer (Susswein 2016). We consider this variant to be pathogenic.